The following is an entry in ClinVar:

ClinVar aggregate classification (germline): Pathogenic (1 of 4 stars; one submission).

Conditions:
Duchenne muscular dystrophy (DMD). Also called: MUSCULAR DYSTROPHY, PSEUDOHYPERTROPHIC PROGRESSIVE, DUCHENNE TYPE; Duchenne Muscular Dystrophy (DMD). Identifiers: Orphanet 98896, MedGen C0013264, MONDO:0010679, OMIM 310200.

Submission:

Labcorp Genetics (formerly Invitae), Labcorp
Classification: Pathogenic for Duchenne muscular dystrophy. Last evaluated: 2016-07-23. Review status: criteria provided, single submitter. Criteria: Invitae Variant Classification Sherloc (09022015). Collection method: clinical testing. Allele origin: germline.
Comment: This variant is a gross deletion of the genomic region encompassing exons 42-43 of the DMD gene. This creates a premature translational stop signal and is expected to result in an absent or disrupted protein product. Loss-of-function variants in DMD are known to be pathogenic. Gross deletions encompassing the same exons as this copy number variant have been reported in individuals affected with Duchenne Muscular Dystrophy (PMID: 15655674, 18752307, 21896784, 24099565). This variant has been reported in individuals in the Leiden Open-source Variation Database (PMID: 21520333). For these reasons, this variant has been classified as Pathogenic.

NC_000023.11:g.(?_32287529)_(32310276_?)del

Gene: DMD (dystrophin; minus strand). Cytogenetic location: Xp21.1.
Variant type: Deletion.
Identifiers: ClinVar variation 417501 (VCV000417501.1).